The following is an entry in ClinVar:

ClinVar aggregate classification (germline): Pathogenic. Review status: criteria provided, single submitter (1 of 4 stars). 3 submissions from 3 submitters: Pathogenic (1). 2 of the submissions do not count toward it. Last evaluated 2023-07-04.

Conditions:
Auditory neuropathy, autosomal recessive, 1 (AUNB1). Identifiers: MedGen CN315828.
Autosomal recessive nonsyndromic hearing loss 9. Also called: NEUROSENSORY NONSYNDROMIC RECESSIVE DEAFNESS 9; Deafness, autosomal recessive 9; AUDITORY NEUROPATHY, AUTOSOMAL RECESSIVE, 1, TEMPERATURE-SENSITIVE; OTOF-Related Hearing Loss. Identifiers: Orphanet 90636, MedGen C1832828, MONDO:0010986, OMIM 601071.

Submissions (3):

GeneDx
Classification: Pathogenic. Last evaluated: 2023-07-04. Review status: criteria provided, single submitter. Criteria: GeneDx Variant Classification Process June 2021. Collection method: clinical testing. Allele origin: germline. Affected: yes.
Comment: Frameshift variant predicted to result in protein truncation or nonsense mediated decay in a gene for which loss of function is a known mechanism of disease; Not observed at significant frequency in large population cohorts (gnomAD); Reported as c.1778delG in a patient with auditory neuropathy in published literature (Varga R et al., 2003); This variant is associated with the following publications: (PMID: 20301429, 12525542)

OMIM
Classification: Pathogenic for AUDITORY NEUROPATHY, AUTOSOMAL RECESSIVE, 1. Last evaluated: 2003-01-01. Review status: no assertion criteria provided. Collection method: literature only. Allele origin: germline. Not counted in ClinVar's aggregate classification.

GeneReviews
No classification provided. Condition: Autosomal recessive nonsyndromic hearing loss 9. Review status: no classification provided. Collection method: literature only. Allele origin: unknown. Not counted in ClinVar's aggregate classification.

Literature cited by the submitters: PubMed 12525542 (cited by OMIM and GeneReviews); PubMed 20301429 (cited by GeneReviews); NCBI Bookshelf NBK1251 (cited by GeneReviews).

NM_194248.3(OTOF):c.1651del (p.Glu551fs)

Gene: OTOF (otoferlin; minus strand). Cytogenetic location: 2p23.3.
Variant type: Deletion.
Coding change: c.1651del on transcript NM_194248.3 (MANE Select); coding-DNA position 1651, one base deleted (G; older notation c.1651delG).
Protein change: p.Glu551fs; shifts the reading frame from glutamic acid 551.
Molecular consequence: frameshift variant.
Genome position (GRCh38, 1-based): chr2:26,480,938, C deleted on the plus strand (G on the coding strand, the reverse complement: OTOF is on the minus strand). VCF-style (leftmost placement, unchanged base first): chr2-26480937-TC-T. GRCh37 (hg19) VCF-style: chr2-26703805-TC-T.
Other names: c.1651del, p.Glu551fs (NM_001287489.2); c.1651del (AF183185.1); short protein forms E551fs.
Identifiers: ClinVar variation 21825 (VCV000021825.5), dbSNP rs80356587, ClinGen allele CA342560.